The following is an entry in ClinVar:

ClinVar aggregate classification (germline): Likely benign. Review status: criteria provided, multiple submitters, no conflicts (2 of 4 stars). 4 submissions from 4 submitters: Likely benign (4). Last evaluated 2025-12-10.

Conditions:
ANK1-related disorder. Also called: ANK1-related condition.
Hereditary spherocytosis type 1. Also called: Spherocytosis type 1; ANK1-Related Spherocytosis. Identifiers: Orphanet 822, MedGen C2674218, MONDO:0008447, OMIM 182900.

Allele frequency attached by ClinVar (database versions not stated): 1000 Genomes Project 30x 0.00094; gnomAD exomes 0.00011; ExAC 0.00024; ESP Exome Variant Server 0.00038; TOPMed 0.00055; gnomAD 0.00065 and 0.00068; 1000 Genomes Project 0.00080.
gnomAD v4.1: 147 of 1,541,150 alleles (0.0095%); highest among the groups gnomAD compares: African/African-American, 0.17%; no homozygotes.

Submissions (4):

Labcorp Genetics (formerly Invitae), Labcorp
Classification: Likely benign. Last evaluated: 2025-12-10. Review status: criteria provided, single submitter. Criteria: Invitae Variant Classification Sherloc (09022015). Collection method: clinical testing. Allele origin: germline.

Mayo Clinic Laboratories, Mayo Clinic
Classification: Likely benign. Last evaluated: 2025-08-22. Review status: criteria provided, single submitter. Criteria: ACMG Guidelines, 2015. Collection method: clinical testing. Allele origin: germline. Observed: 4 variant alleles.
Comment: BP4, BP7

ARUP Laboratories, Molecular Genetics and Genomics, ARUP Laboratories
Classification: Likely benign for Hereditary spherocytosis type 1. Last evaluated: 2025-07-24. Review status: criteria provided, single submitter. Criteria: ARUP Molecular Germline Variant Investigation Process 2024. Collection method: clinical testing. Allele origin: germline.

PreventionGenetics, part of Exact Sciences
Classification: Likely benign for ANK1-related condition. Last evaluated: 2025-03-10. Review status: criteria provided, single submitter. Criteria: ACMG Guidelines, 2015. Collection method: clinical testing. Allele origin: germline.
Comment: This variant is classified as likely benign based on ACMG/AMP sequence variant interpretation guidelines (Richards et al. 2015 PMID: 25741868, with internal and published modifications).

NM_000037.4(ANK1):c.1702-4G>A

Genes: ANK1 (ankyrin 1; minus strand), LOC126860369 (BRD4-independent group 4 enhancer GRCh37_chr8:41570734-41571933; plus strand). Cytogenetic location: 8p11.21.
Variant type: single nucleotide variant.
Coding change: c.1702-4G>A on transcript NM_000037.4 (MANE Select); 4 bases into the intron before coding-DNA position 1702, G replaced by A.
Molecular consequence: intron variant.
Genome position (GRCh38, 1-based): chr8:41,714,258, C>T on the plus strand (G>A on the coding strand, the complement: ANK1 is on the minus strand). VCF-style: chr8-41714258-C-T. GRCh37 (hg19) VCF-style: chr8-41571776-C-T.
Other names: p.?; c.1702-4G>A (NM_020476.2, NM_020477.3, NM_020475.3 and 1 more transcripts); c.1801-4G>A (NM_001142446.2).
Identifiers: ClinVar variation 783840 (VCV000783840.9), dbSNP rs375436444, ClinGen allele CA4728512.